The following is an entry in ClinVar:

ClinVar aggregate classification (germline): Uncertain significance (1 of 4 stars; one submission).

Conditions:
Early Myoclonic Encephalopathy. Identifiers: MedGen C0270855.

Submission:

Labcorp Genetics (formerly Invitae), Labcorp
Classification: Uncertain significance for Early Myoclonic Encephalopathy. Last evaluated: 2018-12-20. Review status: criteria provided, single submitter. Criteria: Invitae Variant Classification Sherloc (09022015). Collection method: clinical testing. Allele origin: germline.
Comment: This variant, c.1238_1240del, results in the deletion of 1 amino acid(s) of the JMJD1C protein (p.Glu413del), but otherwise preserves the integrity of the reading frame. This variant is not present in population databases (ExAC no frequency). This variant has not been reported in the literature in individuals with JMJD1C-related conditions. Experimental studies and prediction algorithms are not available for this variant, and the functional significance of the affected amino acid(s) is currently unknown. In summary, the available evidence is currently insufficient to determine the role of this variant in disease. Therefore, it has been classified as a Variant of Uncertain Significance.

NM_032776.3(JMJD1C):c.1235AAG[1] (p.Glu413del)

Gene: JMJD1C (jumonji domain containing 1C; minus strand). Cytogenetic location: 10q21.3.
Variant type: Microsatellite.
Coding change: c.1235AAG[1] on transcript NM_032776.3 (MANE Select); one copy of the 3-base unit AAG starting at c.1235; the reference has two copies in a row; one copy, 3 bases deleted.
Protein change: p.Glu413del; deletes glutamic acid 413.
Molecular consequence: inframe deletion. On other transcripts: non-coding transcript variant (1).
Genome position (GRCh38, 1-based): chr10:63,214,927-63,214,929, CTT deleted on the plus strand (AAG on the coding strand, the reverse complement: JMJD1C is on the minus strand); deleting any 3 consecutive bases within chr10:63,214,927-63,214,934 gives the same sequence; the position shown is the placement nearest the transcript's 3' end. VCF-style (leftmost placement, unchanged base first): chr10-63214926-CCTT-C. GRCh37 (hg19) VCF-style: chr10-64974686-CCTT-C.
Other names: c.689AAG[1], p.Glu231del (NM_001282948.2, NM_001318154.2); c.371AAG[1], p.Glu125del (NM_001318153.2); c.1121AAG[1], p.Glu375del (NM_001322252.2); c.578AAG[1], p.Glu194del (NM_001322254.2, NM_001322258.2); short protein forms E413del, E125del, E194del, E231del, E375del.
Identifiers: ClinVar variation 661983 (VCV000661983.8), dbSNP rs1456616934, ClinGen allele CA594255212.